The following is an entry in ClinVar:

ClinVar aggregate classification (germline): Uncertain significance. Review status: criteria provided, multiple submitters, no conflicts (2 of 4 stars). 3 submissions from 3 submitters: Uncertain significance (3). Last evaluated 2025-06-10.

Conditions:
Hereditary cancer-predisposing syndrome. Also called: Tumor predisposition; Hereditary Cancer Syndrome; Neoplastic Syndromes, Hereditary; Hereditary neoplastic syndrome. Identifiers: Orphanet 140162, MedGen C0027672, MeSH D009386, MONDO:0015356.
Renal cell carcinoma. Identifiers: Orphanet 217071, MedGen C0007134, MeSH D002292, MONDO:0005086, HP:0005584.

Allele frequency attached by ClinVar (database versions not stated): gnomAD exomes below 0.00001.
gnomAD v4.1: 7 of 1,614,128 alleles (0.00043%); highest among the groups gnomAD compares: Non-Finnish European, 0.00059%; no homozygotes.

Submissions (3):

Ambry Genetics
Classification: Uncertain significance for Hereditary cancer-predisposing syndrome. Last evaluated: 2025-06-10. Review status: criteria provided, single submitter. Criteria: Ambry Variant Classification Scheme 2023. Collection method: clinical testing. Allele origin: germline.
Comment: The p.V1042M variant (also known as c.3124G>A), located in coding exon 14 of the MET gene, results from a G to A substitution at nucleotide position 3124. The valine at codon 1042 is replaced by methionine, an amino acid with highly similar properties. This amino acid position is not well conserved in available vertebrate species. In addition, this alteration is predicted to be tolerated by in silico analysis. Based on the available evidence, the clinical significance of this variant remains unclear.

Labcorp Genetics (formerly Invitae), Labcorp
Classification: Uncertain significance for Renal cell carcinoma. Last evaluated: 2023-06-29. Review status: criteria provided, single submitter. Criteria: Invitae Variant Classification Sherloc (09022015). Collection method: clinical testing. Allele origin: germline.
Comment: This sequence change replaces valine, which is neutral and non-polar, with methionine, which is neutral and non-polar, at codon 1042 of the MET protein (p.Val1042Met). This variant is not present in population databases (gnomAD no frequency). This variant has not been reported in the literature in individuals affected with MET-related conditions. ClinVar contains an entry for this variant (Variation ID: 822954). An algorithm developed to predict the effect of missense changes on protein structure and function (PolyPhen-2) suggests that this variant is likely to be tolerated. In summary, the available evidence is currently insufficient to determine the role of this variant in disease. Therefore, it has been classified as a Variant of Uncertain Significance.

GeneDx
Classification: Uncertain significance. Last evaluated: 2023-03-10. Review status: criteria provided, single submitter. Criteria: GeneDx Variant Classification Process June 2021. Collection method: clinical testing. Allele origin: germline. Affected: yes.
Comment: Not observed at significant frequency in large population cohorts (gnomAD); In silico analysis supports that this missense variant does not alter protein structure/function; Has not been previously published as pathogenic or benign to our knowledge

NM_000245.4(MET):c.3070G>A (p.Val1024Met)

Gene: MET (MET proto-oncogene, receptor tyrosine kinase; plus strand). Cytogenetic location: 7q31.2.
Variant type: single nucleotide variant.
Coding change: c.3070G>A on transcript NM_000245.4 (MANE Select); coding-DNA position 3070, G replaced by A.
Protein change: p.Val1024Met; replaces valine 1024 with methionine.
Molecular consequence: missense variant.
Genome position (GRCh38, 1-based): chr7:116,774,922, G>A. VCF-style: chr7-116774922-G-A. GRCh37 (hg19) VCF-style: chr7-116414976-G-A.
Other names: c.3124G>A, p.Val1042Met (NM_001127500.3); c.1780G>A, p.Val594Met (NM_001324402.2); short protein forms V1042M, V594M, V1024M.
Identifiers: ClinVar variation 822954 (VCV000822954.9), dbSNP rs1584957724, ClinGen allele CA368987932.